The following is an entry in ClinVar:

ClinVar aggregate classification (germline): Pathogenic/Likely pathogenic. Review status: criteria provided, multiple submitters, no conflicts (2 of 4 stars). 7 submissions from 7 submitters: Pathogenic (1); Likely pathogenic (4). 2 of the submissions do not count toward it. Last evaluated 2025-07-01.

Conditions:
Maple syrup urine disease type 1A (MSUD1A). Also called: MSUD type 1A. Identifiers: MedGen C1855369, MONDO:0023691, OMIM 248600.
Maple syrup urine disease (MSUD). Identifiers: Orphanet 511, MedGen C0024776, MeSH D008375, MONDO:0009563. Disease mechanism: loss of function.

Allele frequency attached by ClinVar (database versions not stated): gnomAD exomes below 0.00001; gnomAD 0.00001.
gnomAD v4.1: 6 of 1,606,188 alleles (0.00037%); highest among the groups gnomAD compares: African/African-American, 0.0013%; no homozygotes.

Submissions (7):

Labcorp Genetics (formerly Invitae), Labcorp
Classification: Pathogenic for Maple syrup urine disease. Last evaluated: 2025-07-01. Review status: criteria provided, single submitter. Criteria: Invitae Variant Classification Sherloc (09022015). Collection method: clinical testing. Allele origin: germline.
Comment: This sequence change replaces arginine, which is basic and polar, with histidine, which is basic and polar, at codon 346 of the BCKDHA protein (p.Arg346His). This variant is not present in population databases (gnomAD no frequency). This missense change has been observed in individual(s) with BCKDHA-related conditions (PMID: 16786533). ClinVar contains an entry for this variant (Variation ID: 93336). Invitae Evidence Modeling of protein sequence and biophysical properties (such as structural, functional, and spatial information, amino acid conservation, physicochemical variation, residue mobility, and thermodynamic stability) indicates that this missense variant is expected to disrupt BCKDHA protein function with a positive predictive value of 95%. This variant disrupts the p.Arg346 amino acid residue in BCKDHA. Other variant(s) that disrupt this residue have been observed in individuals with BCKDHA-related conditions (PMID: 16786533, 21844576, 22593002), which suggests that this may be a clinically significant amino acid residue. For these reasons, this variant has been classified as Pathogenic.

Natera, Inc.
Classification: Likely pathogenic for Maple syrup urine disease type 1A. Last evaluated: 2025-05-12. Review status: criteria provided, single submitter. Criteria: Natera Variant Classification Schema (03/2026). Collection method: clinical testing. Allele origin: germline.
Comment: The c.1037G>A variant in BCKDHA is a missense variant predicted to cause substitution of arginine to histidine at amino acid 346. This variant is rare in the general population with a frequency below the threshold expected for the associated phenotype(s). This variant has been observed in one or more individuals affected with the associated recessive disease, as either homozygous or compound heterozygous with a second variant (PMID: 34556655, 16786533). A different variant at the same position has been determined to be Pathogenic or Likely Pathogenic. Computational prediction algorithms indicate this variant is likely to affect gene or protein function. Given the available evidence, this variant is classified as Likely Pathogenic.

Baylor Genetics
Classification: Likely pathogenic for Maple syrup urine disease type 1A. Last evaluated: 2023-11-22. Review status: criteria provided, single submitter. Criteria: ACMG Guidelines, 2015. Collection method: clinical testing. Allele origin: unknown.

Fulgent Genetics
Classification: Likely pathogenic for Maple syrup urine disease type 1A. Last evaluated: 2021-11-29. Review status: criteria provided, single submitter. Criteria: ACMG Guidelines, 2015. Collection method: clinical testing. Allele origin: unknown.

Eurofins Ntd Llc (ga)
Classification: Likely pathogenic. Last evaluated: 2017-06-14. Review status: criteria provided, single submitter. Criteria: EGL Classification Definitions. Collection method: clinical testing. Allele origin: germline. Observed: 3 variant alleles, 3 heterozygotes.

Shieh Lab, University of California, San Francisco
Classification: Likely pathogenic for Maple syrup urine disease. Last evaluated: 2020-10-19. Review status: no assertion criteria provided. Collection method: research. Allele origin: germline. Affected: yes. Not counted in ClinVar's aggregate classification.

Counsyl
Classification: Uncertain significance for Maple syrup urine disease type 1A. Last evaluated: 2017-07-05. Review status: no assertion criteria provided. Collection method: clinical testing. Allele origin: unknown. Not counted in ClinVar's aggregate classification.

Literature cited by the submitters: PubMed 16786533 (cited by 3 submitters); PubMed 21844576 (cited by Labcorp Genetics (formerly Invitae), Labcorp); PubMed 22593002 (cited by Labcorp Genetics (formerly Invitae), Labcorp); PubMed 34556655 (cited by Natera, Inc.).

NM_000709.4(BCKDHA):c.1037G>A (p.Arg346His)

Gene: BCKDHA (branched chain keto acid dehydrogenase E1 subunit alpha; plus strand). Cytogenetic location: 19q13.2.
Variant type: single nucleotide variant.
Coding change: c.1037G>A on transcript NM_000709.4 (MANE Select); coding-DNA position 1037, G replaced by A.
Protein change: p.Arg346His; replaces arginine 346 with histidine.
Molecular consequence: missense variant.
Genome position (GRCh38, 1-based): chr19:41,423,039, G>A. VCF-style: chr19-41423039-G-A. GRCh37 (hg19) VCF-style: chr19-41928944-G-A.
Other names: c.1034G>A, p.Arg345His (NM_001164783.2); short protein forms R346H, R345H.
Identifiers: ClinVar variation 93336 (VCV000093336.22), dbSNP rs398123486, ClinGen allele CA221177.
Genomic context (GRCh38, chr19:41,423,039, plus strand): 5'-GCCCCTTGCCCCTGTGCAGGATCGGGCACCACAGCACCAGTGACGACAGTTCAGCGTACC[G>A]CTCGGTGGATGAGGTCAATTACTGGGATAAACAGGACCACCCCATCTCCCGGCTGCGGCA-3'
Protein context (NP_000700.1, residues 336-356): HSTSDDSSAY[Arg346His]SVDEVNYWDK